The following is an entry in ClinVar:

NM_001374828.1(ARID1B):c.2049T>G (p.Tyr683Ter)

Gene: ARID1B (AT-rich interaction domain 1B; plus strand). Cytogenetic location: 6q25.3.
Variant type: single nucleotide variant.
Coding change: c.2049T>G on transcript NM_001374828.1 (MANE Select); coding-DNA position 2049, T replaced by G.
Protein change: p.Tyr683Ter; replaces tyrosine 683 with a stop codon.
Molecular consequence: nonsense.
Genome position (GRCh38, 1-based): chr6:156,901,438, T>G. VCF-style: chr6-156901438-T-G. GRCh37 (hg19) VCF-style: chr6-157222572-T-G.
Other names: c.2088T>G, p.Tyr696Ter (NM_001371656.1, NM_001374820.1); c.2049T>G, p.Tyr683Ter (NM_017519.3); short protein forms Y683*, Y696*.
Identifiers: ClinVar variation 3645282 (VCV003645282.2).

ClinVar aggregate classification (germline): Pathogenic (1 of 4 stars; one submission).

Submission:

Labcorp Genetics (formerly Invitae), Labcorp
Classification: Pathogenic. Last evaluated: 2024-03-10. Review status: criteria provided, single submitter. Criteria: Invitae Variant Classification Sherloc (09022015). Collection method: clinical testing. Allele origin: germline.
Comment: This sequence change creates a premature translational stop signal (p.Tyr613*) in the ARID1B gene. It is expected to result in an absent or disrupted protein product. Loss-of-function variants in ARID1B are known to be pathogenic (PMID: 25674384, 30349098). This variant is not present in population databases (gnomAD no frequency). This variant has not been reported in the literature in individuals affected with ARID1B-related conditions. For these reasons, this variant has been classified as Pathogenic.

Literature cited by the submitters: PubMed 25674384; PubMed 30349098.